The following is an entry in ClinVar:

NM_022124.6(CDH23):c.9296del (p.Lys3099fs)

Gene: CDH23 (cadherin related 23; plus strand). Cytogenetic location: 10q22.1.
Variant type: Deletion.
Coding change: c.9296del on transcript NM_022124.6 (MANE Select); coding-DNA position 9296, one base deleted (A; older notation c.9296delA).
Protein change: p.Lys3099fs; shifts the reading frame from lysine 3099.
Molecular consequence: frameshift variant.
Genome position (GRCh38, 1-based): chr10:71,811,730, A deleted; the last of 2 consecutive A bases (chr10:71,811,729-71,811,730); deleting either gives the same sequence. VCF-style (leftmost placement, unchanged base first): chr10-71811728-CA-C. GRCh37 (hg19) VCF-style: chr10-73571485-CA-C.
Other names: c.2576del, p.Lys859fs (NM_001171933.1, NM_001171934.1); short protein forms K3099fs, K859fs.
Identifiers: ClinVar variation 1322047 (VCV001322047.8), dbSNP rs2133003011, ClinGen allele CA2573053295.
Genomic context (GRCh38, chr10:71,811,728, plus strand): 5'-CGTCAGCTTGGCCCCCCTCACCAGCCCCTCTCTGCTTCTCTCCAGACACAAGAGGAAGCT[CA>C]AGGCCATTGTGGCTGGCTCAGCTGGTAAGTGAGGGCCATAGTGGGGACACAGGTGAGAAG-3'

ClinVar aggregate classification (germline): Pathogenic. Review status: criteria provided, multiple submitters, no conflicts (2 of 4 stars). 2 submissions from 2 submitters: Pathogenic (2). Last evaluated 2022-05-19.

Submissions (2):

Labcorp Genetics (formerly Invitae), Labcorp
Classification: Pathogenic. Last evaluated: 2022-05-19. Review status: criteria provided, single submitter. Criteria: Invitae Variant Classification Sherloc (09022015). Collection method: clinical testing. Allele origin: germline.
Comment: For these reasons, this variant has been classified as Pathogenic. ClinVar contains an entry for this variant (Variation ID: 1322047). This variant has not been reported in the literature in individuals affected with CDH23-related conditions. This variant is not present in population databases (gnomAD no frequency). This sequence change creates a premature translational stop signal (p.Lys3099Argfs*58) in the CDH23 gene. It is expected to result in an absent or disrupted protein product. Loss-of-function variants in CDH23 are known to be pathogenic (PMID: 11138009, 21940737).

Revvity Omics, Revvity
Classification: Pathogenic. Last evaluated: 2020-09-19. Review status: criteria provided, single submitter. Criteria: ACMG Guidelines, 2015. Collection method: clinical testing. Allele origin: germline.

Literature cited by the submitters: PubMed 11138009 (cited by Labcorp Genetics (formerly Invitae), Labcorp); PubMed 21940737 (cited by Labcorp Genetics (formerly Invitae), Labcorp).